The following is an entry in ClinVar:

NM_000059.4(BRCA2):c.8940del (p.Glu2981fs)

Gene: BRCA2 (BRCA2 DNA repair associated; plus strand). Cytogenetic location: 13q13.1.
Variant type: Deletion.
Coding change: c.8940del on transcript NM_000059.4 (MANE Select); coding-DNA position 8940, one base deleted (A; older notation c.8940delA).
Protein change: p.Glu2981fs; shifts the reading frame from glutamic acid 2981.
Molecular consequence: frameshift variant.
Genome position (GRCh38, 1-based): chr13:32,379,502, A deleted; the last of 7 consecutive A bases (chr13:32,379,496-32,379,502); deleting any one gives the same sequence. VCF-style (leftmost placement, unchanged base first): chr13-32379495-CA-C. GRCh37 (hg19) VCF-style: chr13-32953632-CA-C.
Other names: c.8940delA (NM_000059.3); c.8940del (NM_000059.3); short protein forms E2981fs.
Identifiers: ClinVar variation 418600 (VCV000418600.45), dbSNP rs80359732, ClinGen allele CA16619785.

ClinVar aggregate classification (germline): Pathogenic. Review status: reviewed by expert panel (3 of 4 stars). 7 submissions from 7 submitters: Pathogenic (1). 6 of the submissions do not count toward it. Last evaluated 2017-12-15.
ClinVar aggregate classification (oncogenicity): Oncogenic (1 of 4 stars; one submission).

Conditions:
Hereditary breast ovarian cancer syndrome. Also called: Hereditary breast and ovarian cancer; Hereditary breast and ovarian cancer syndrome (HBOC); Hereditary breast and/or ovarian cancer syndrome; Breast and ovarian cancer; Hereditary breast and ovarian cancer syndrome; BRCA1- and BRCA2-Associated Hereditary Breast and Ovarian Cancer. Identifiers: Orphanet 145, MedGen C0677776, MeSH D061325, MONDO:0003582. Disease mechanism: loss of function.
Breast-ovarian cancer, familial, susceptibility to, 2 (BROVCA2). Also called: BRCA2 Hereditary Breast and Ovarian Cancer. Identifiers: Orphanet 145, MedGen C2675520, MONDO:0012933, OMIM 612555. Disease mechanism: loss of function.
Familial cancer of breast. Also called: Hereditary breast cancer; BREAST CANCER, FAMILIAL; hereditary breast carcinoma. Identifiers: Orphanet 227535, MedGen C0346153, MONDO:0016419, OMIM 114480. Disease mechanism: loss of function.
Neoplasm. Also called: tumor; Neoplasms; Neoplasm (disease). Identifiers: MedGen C0027651, MeSH D009369, MONDO:0005070, HP:0002664.

Submissions (8):

Evidence-based Network for the Interpretation of Germline Mutant Alleles (ENIGMA)
Classification: Pathogenic for Breast-ovarian cancer, familial, susceptibility to, 2. Last evaluated: 2017-12-15. Review status: reviewed by expert panel. Criteria: ENIGMA BRCA1/2 Classification Criteria (2017-06-29). Collection method: curation. Allele origin: germline. Study: ENIGMA.
Comment: Variant allele predicted to encode a truncated non-functional protein.

Center for Genomic Medicine, Rigshospitalet, Copenhagen University Hospital
Classification: Oncogenic for Neoplasm. Last evaluated: 2025-12-29. Review status: criteria provided, single submitter. Criteria: ClinGen/CGC/VICC Guidelines for Oncogenicity, 2022. Collection method: clinical testing. Allele origin: somatic. Affected: yes.

GeneKor MSA
Classification: Pathogenic for Hereditary breast ovarian cancer syndrome. Last evaluated: 2025-06-26. Review status: criteria provided, single submitter. Criteria: ACMG Guidelines, 2015. Collection method: clinical testing. Allele origin: germline. Not counted in ClinVar's aggregate classification.
Comment: This sequence change deletes one nucleotide from exon 22 of BRCA2 mRNA c.(8940delA), causing a frameshift at codon 2981 and the creation of a premature translation stop signal 7 amino acid residues later-p.(Glu2981Lysfs*7). This is expected to result in an absent or disrupted protein product. Truncating variants in BRCA2 are known to be pathogenic (PMID:20104584). This variant is not present in population databases (rs80359732) but it has been reported in the international literature in an individual affected with breast cancer (PMID:26824983). The mutation database Clinvar contains entries for this variant where it is listed as pathogenic (VCV000418600.42). Based on the classification criteria set by the ACMG and AMP (PMID:25741868) this variant has been classified as pathogenic.

Genetics Program, Instituto Nacional de Cancer
Classification: Pathogenic for Hereditary breast ovarian cancer syndrome. Last evaluated: 2021-11-01. Review status: criteria provided, single submitter. Criteria: ACMG Guidelines, 2015. Collection method: research. Allele origin: germline. Affected: yes. Not counted in ClinVar's aggregate classification.

GeneDx
Classification: Pathogenic. Last evaluated: 2018-11-02. Review status: criteria provided, single submitter. Criteria: GeneDx Variant Classification (06012015). Collection method: clinical testing. Allele origin: germline. Affected: yes. Not counted in ClinVar's aggregate classification.
Comment: This deletion of one nucleotide in BRCA2 is denoted c.8940delA at the cDNA level and p.Glu2981LysfsX7 (E2981KfsX7) at the protein level. The normal sequence, with the base that is deleted in braces, is CAAAAAA[A]GAAA. The deletion causes a frameshift which changes a Glutamic Acid to a Lysine at codon 2981, and creates a premature stop codon at position 7 of the new reading frame. This variant is predicted to cause loss of normal protein function through either protein truncation or nonsense-mediated mRNA decay. BRCA2 c.8940delA, also defined as c.8934delA or 9168delA by alternate nomenclature, has been reported in at least one patient with breast cancer (Lin 2016). We consider this variant to be pathogenic.

Labcorp Genetics (formerly Invitae), Labcorp
Classification: Pathogenic for Hereditary breast ovarian cancer syndrome. Last evaluated: 2018-08-22. Review status: criteria provided, single submitter. Criteria: Invitae Variant Classification Sherloc (09022015). Collection method: clinical testing. Allele origin: germline. Not counted in ClinVar's aggregate classification.
Comment: This variant has been observed in an individual affected with breast cancer (PMID: 26824983). This variant is also known as c.8934delA in the literature. ClinVar contains an entry for this variant (Variation ID: 418600). A different variant (c.8941delG) giving rise to the same protein effect observed here (p.Glu2981Lysfs*7) has been reported in an individual with a personal and/or family history of breast and/or ovarian cancer (PMID: 24156927). Loss-of-function variants in BRCA2 are known to be pathogenic (PMID: 20104584). For these reasons, this variant has been classified as Pathogenic. This variant is not present in population databases (ExAC no frequency). This sequence change creates a premature translational stop signal (p.Glu2981Lysfs*7) in the BRCA2 gene. It is expected to result in an absent or disrupted protein product.

University of Science and Technology Houari Boumediene, Laboratory of Molecular and Cellular Biology (LBCM)
Classification: Pathogenic for Breast-ovarian cancer, familial, susceptibility to, 2. Review status: criteria provided, single submitter. Criteria: ACMG Guidelines, 2015. Collection method: clinical testing. Allele origin: germline. Inheritance: Autosomal dominant inheritance. Affected: yes. Observed: 1 heterozygote. Not counted in ClinVar's aggregate classification.

Department of Medical Genetics, Istanbul Demiroglu Bilim University Medical School
Classification: Pathogenic for Familial cancer of breast. Review status: no assertion criteria provided. Collection method: clinical testing. Allele origin: germline. Affected: yes. Not counted in ClinVar's aggregate classification.

Literature cited by the submitters: PubMed 18607349 (cited by Center for Genomic Medicine, Rigshospitalet, Copenhagen University Hospital); PubMed 33293522 (cited by Center for Genomic Medicine, Rigshospitalet, Copenhagen University Hospital); PubMed 20104584 (cited by GeneKor MSA and Labcorp Genetics (formerly Invitae), Labcorp); PubMed 26824983 (cited by GeneKor MSA and Labcorp Genetics (formerly Invitae), Labcorp); PubMed 36329109 (cited by Genetics Program, Instituto Nacional de Cancer); PubMed 24156927 (cited by Labcorp Genetics (formerly Invitae), Labcorp); PubMed 30715675 (cited by University of Science and Technology Houari Boumediene, Laboratory of Molecular and Cellular Biology (LBCM)); PubMed 9760198 (cited by Department of Medical Genetics, Istanbul Demiroglu Bilim University Medical School).